The following is an entry in ClinVar:

NM_004360.5(CDH1):c.2389T>G (p.Tyr797Asp)

Gene: CDH1 (cadherin 1; plus strand). Cytogenetic location: 16q22.1.
Variant type: single nucleotide variant.
Coding change: c.2389T>G on transcript NM_004360.5 (MANE Select); coding-DNA position 2389, T replaced by G.
Protein change: p.Tyr797Asp; replaces tyrosine 797 with aspartic acid.
Molecular consequence: missense variant.
Genome position (GRCh38, 1-based): chr16:68,829,747, T>G. VCF-style: chr16-68829747-T-G. GRCh37 (hg19) VCF-style: chr16-68863650-T-G.
Other names: c.2206T>G, p.Tyr736Asp (NM_001317184.2); c.841T>G, p.Tyr281Asp (NM_001317185.2); c.424T>G, p.Tyr142Asp (NM_001317186.2); short protein forms Y142D, Y797D, Y281D, Y736D.
Identifiers: ClinVar variation 2494013 (VCV002494013.2), dbSNP rs2152142388, ClinGen allele CA396471165.

ClinVar aggregate classification (germline): Uncertain significance (1 of 4 stars; one submission).

Conditions:
Hereditary cancer-predisposing syndrome. Also called: Neoplastic Syndromes, Hereditary; Hereditary neoplastic syndrome; Tumor predisposition; Hereditary Cancer Syndrome. Identifiers: Orphanet 140162, MedGen C0027672, MeSH D009386, MONDO:0015356.

Submission:

Ambry Genetics
Classification: Uncertain significance for Hereditary cancer-predisposing syndrome. Last evaluated: 2023-03-07. Review status: criteria provided, single submitter. Criteria: Ambry Variant Classification Scheme 2023. Collection method: clinical testing. Allele origin: germline.
Comment: The p.Y797D variant (also known as c.2389T>G), located in coding exon 15 of the CDH1 gene, results from a T to G substitution at nucleotide position 2389. The tyrosine at codon 797 is replaced by aspartic acid, an amino acid with highly dissimilar properties. This amino acid position is conserved. In addition, this alteration is predicted to be deleterious by in silico analysis. Since supporting evidence is limited at this time, the clinical significance of this alteration remains unclear.